The following is an entry in ClinVar:

ClinVar aggregate classification (germline): Likely pathogenic (1 of 4 stars; one submission).

Conditions:
LAMA2-related muscular dystrophy (LAMA2-RD). Also called: Laminin alpha 2-related dystrophy. Identifiers: MedGen C5679788, MONDO:0100228.

Submission:

Labcorp Genetics (formerly Invitae), Labcorp
Classification: Likely pathogenic for LAMA2-related muscular dystrophy. Last evaluated: 2023-08-17. Review status: criteria provided, single submitter. Criteria: Invitae Variant Classification Sherloc (09022015). Collection method: clinical testing. Allele origin: germline.
Comment: This variant has not been reported in the literature in individuals affected with LAMA2-related conditions. This sequence change affects an acceptor splice site in intron 54 of the LAMA2 gene. It is expected to disrupt RNA splicing. Variants that disrupt the donor or acceptor splice site typically lead to a loss of protein function (PMID: 16199547), and loss-of-function variants in LAMA2 are known to be pathogenic (PMID: 18700894, 32904964). This variant is not present in population databases (gnomAD no frequency). Algorithms developed to predict the effect of sequence changes on RNA splicing suggest that this variant may disrupt the consensus splice site. In summary, the currently available evidence indicates that the variant is pathogenic, but additional data are needed to prove that conclusively. Therefore, this variant has been classified as Likely Pathogenic.

Literature cited by the submitters: PubMed 16199547; PubMed 18700894; PubMed 32904964.

NM_000426.4(LAMA2):c.7573-2A>G

Gene: LAMA2 (laminin subunit alpha 2; plus strand). Cytogenetic location: 6q22.33.
Variant type: single nucleotide variant.
Coding change: c.7573-2A>G on transcript NM_000426.4 (MANE Select); the canonical splice acceptor site of the intron before coding-DNA position 7573, A replaced by G.
Molecular consequence: splice acceptor variant.
Genome position (GRCh38, 1-based): chr6:129,481,261, A>G. VCF-style: chr6-129481261-A-G. GRCh37 (hg19) VCF-style: chr6-129802406-A-G.
Other names: c.7561-2A>G (NM_001079823.2).
Identifiers: ClinVar variation 3018195 (VCV003018195.3), dbSNP rs2533477720, ClinGen allele CA365627609.
Genomic context (GRCh38, chr6:129,481,261, plus strand): 5'-TGGAGAACTTATTTAAATTTTCATTTCTAATGGTTTCTACTCTTCTTTTCCTTTACTCAC[A>G]GAATGTTTACACAGTTAGCTTTCCTAAGCCTGGTTTTGTGGAGCTCTCCCCTGTGCCAAT-3'